The following is an entry in ClinVar:

NM_032444.4(SLX4):c.5368C>A (p.Leu1790Ile)

Gene: SLX4 (SLX4 structure-specific endonuclease subunit; minus strand). Cytogenetic location: 16p13.3.
Variant type: single nucleotide variant.
Coding change: c.5368C>A on transcript NM_032444.4 (MANE Select); coding-DNA position 5368, C replaced by A.
Protein change: p.Leu1790Ile; replaces leucine 1790 with isoleucine.
Molecular consequence: missense variant.
Genome position (GRCh38, 1-based): chr16:3,582,479, G>T on the plus strand (C>A on the coding strand, the complement: SLX4 is on the minus strand). VCF-style: chr16-3582479-G-T. GRCh37 (hg19) VCF-style: chr16-3632480-G-T.
Other names: short protein forms L1790I.
Identifiers: ClinVar variation 1028447 (VCV001028447.3), dbSNP rs2040449660, ClinGen allele CA394513644.
Genomic context (GRCh38, chr16:3,582,479, plus strand): 5'-TGGTGAAGGTGATACAGTGGGTGTCCAGGAAGTCCAACAGCCTGCGCGAGGACACACGGA[G>T]GCCGTTCTGCCTCAGCTCTGCCTGCAGCTCCCGCAGCTCAAAGGGCTGGTACAGCAGCAC-3'
Protein context (NP_115820.2, residues 1780-1800): ELQAELRQNG[Leu1790Ile]RVSSRRLLDF

ClinVar aggregate classification (germline): Uncertain significance. Review status: criteria provided, multiple submitters, no conflicts (2 of 4 stars). 2 submissions from 2 submitters: Uncertain significance (2). Last evaluated 2022-05-19.

Conditions:
Fanconi anemia (FA). Also called: Fanconi's anemia. Identifiers: Orphanet 84, MedGen C0015625, MeSH D005199, MONDO:0019391.
Fanconi anemia complementation group P. Also called: SLX4-Related Fanconi Anemia. Identifiers: Orphanet 84, MedGen C3469542, MONDO:0013499, OMIM 613951.

Allele frequency attached by ClinVar (database versions not stated): TOPMed below 0.00001; gnomAD 0.00001.
gnomAD v4.1: 1 of 1,614,028 alleles (0.000062%); highest among the groups gnomAD compares: East Asian, 0.0022%; no homozygotes.

Submissions (2):

Labcorp Genetics (formerly Invitae), Labcorp
Classification: Uncertain significance for Fanconi anemia. Last evaluated: 2022-05-19. Review status: criteria provided, single submitter. Criteria: Invitae Variant Classification Sherloc (09022015). Collection method: clinical testing. Allele origin: germline.
Comment: This sequence change replaces leucine, which is neutral and non-polar, with isoleucine, which is neutral and non-polar, at codon 1790 of the SLX4 protein (p.Leu1790Ile). This variant is not present in population databases (gnomAD no frequency). This variant has not been reported in the literature in individuals affected with SLX4-related conditions. ClinVar contains an entry for this variant (Variation ID: 1028447). Algorithms developed to predict the effect of missense changes on protein structure and function output the following: SIFT: "Tolerated"; PolyPhen-2: "Benign"; Align-GVGD: "Class C0". The isoleucine amino acid residue is found in multiple mammalian species, which suggests that this missense change does not adversely affect protein function. In summary, the available evidence is currently insufficient to determine the role of this variant in disease. Therefore, it has been classified as a Variant of Uncertain Significance.

Baylor Genetics
Classification: Uncertain significance for Fanconi anemia complementation group P. Last evaluated: 2019-02-26. Review status: criteria provided, single submitter. Criteria: ACMG Guidelines, 2015. Collection method: clinical testing. Allele origin: maternal. Affected: yes.
Comment: This variant was determined to be of uncertain significance according to ACMG Guidelines, 2015 [PMID:25741868].